The following is an entry in ClinVar:

ClinVar aggregate classification (germline): Conflicting classifications of pathogenicity. Review status: criteria provided, conflicting classifications (1 of 4 stars). 2 submissions from 2 submitters: Uncertain significance (1); Likely benign (1). Last evaluated 2025-11-01.

Allele frequency attached by ClinVar (database versions not stated): 1000 Genomes Project 30x 0.00031; 1000 Genomes Project 0.00040.
gnomAD v4.1: 223 of 1,614,100 alleles (0.014%); highest among the groups gnomAD compares: East Asian, 0.21%; no homozygotes.

Submissions (2):

CeGaT Center for Human Genetics Tuebingen
Classification: Likely benign. Last evaluated: 2025-11-01. Review status: criteria provided, single submitter. Criteria: CeGaT Center For Human Genetics Tuebingen Variant Classification Criteria Version 2. Collection method: clinical testing. Allele origin: germline. Affected: yes. Observed: 1 variant allele.
Comment: ZFHX3: BS1

Ambry Genetics
Classification: Uncertain significance. Last evaluated: 2023-12-30. Review status: criteria provided, single submitter. Criteria: Ambry Variant Classification Scheme 2023. Collection method: clinical testing. Allele origin: germline.

NM_006885.4(ZFHX3):c.2282G>C (p.Gly761Ala)

Gene: ZFHX3 (zinc finger homeobox 3; minus strand). Cytogenetic location: 16q22.3.
Variant type: single nucleotide variant.
Coding change: c.2282G>C on transcript NM_006885.4 (MANE Select); coding-DNA position 2282, G replaced by C.
Protein change: p.Gly761Ala; replaces glycine 761 with alanine.
Molecular consequence: missense variant. On other transcripts: intron variant (1).
Genome position (GRCh38, 1-based): chr16:72,957,864, C>G on the plus strand (G>C on the coding strand, the complement: ZFHX3 is on the minus strand). VCF-style: chr16-72957864-C-G. GRCh37 (hg19) VCF-style: chr16-72991763-C-G.
Other names: c.2282G>C, p.Gly761Ala (NM_001386735.1); c.-23-6899G>C (NM_001164766.2); short protein forms G761A.
Identifiers: ClinVar variation 3192983 (VCV003192983.7), dbSNP rs569425024, ClinGen allele CA8164512.